The following is an entry in ClinVar:

ClinVar aggregate classification (germline): Conflicting classifications of pathogenicity. Review status: criteria provided, conflicting classifications (1 of 4 stars). 2 submissions from 2 submitters: Uncertain significance (1); Likely benign (1). Last evaluated 2026-05-08.

Conditions:
Renal cell carcinoma. Identifiers: Orphanet 217071, MedGen C0007134, MeSH D002292, MONDO:0005086, HP:0005584.
Hereditary cancer-predisposing syndrome. Also called: Neoplastic Syndromes, Hereditary; Tumor predisposition; Hereditary Cancer Syndrome; Hereditary neoplastic syndrome. Identifiers: Orphanet 140162, MedGen C0027672, MeSH D009386, MONDO:0015356.

Allele frequency attached by ClinVar (database versions not stated): TOPMed below 0.00001; gnomAD 0.00001; gnomAD exomes below 0.00001; ESP Exome Variant Server 0.00008.
gnomAD v4.1: 7 of 1,601,358 alleles (0.00044%); highest among the groups gnomAD compares: Non-Finnish European, 0.0006%; no homozygotes.

Submissions (2):

Ambry Genetics
Classification: Likely benign for Hereditary cancer-predisposing syndrome. Last evaluated: 2026-05-08. Review status: criteria provided, single submitter. Criteria: Ambry Variant Classification Scheme 2023. Collection method: clinical testing. Allele origin: germline.

Labcorp Genetics (formerly Invitae), Labcorp
Classification: Uncertain significance for Renal cell carcinoma. Last evaluated: 2026-01-05. Review status: criteria provided, single submitter. Criteria: Invitae Variant Classification Sherloc (09022015). Collection method: clinical testing. Allele origin: germline.
Comment: This sequence change replaces proline, which is neutral and non-polar, with leucine, which is neutral and non-polar, at codon 761 of the MET protein (p.Pro761Leu). This variant is present in population databases (rs367649400, gnomAD 0.007%). This variant has not been reported in the literature in individuals affected with MET-related conditions. ClinVar contains an entry for this variant (Variation ID: 1788959). An algorithm developed to predict the effect of missense changes on protein structure and function outputs the following: PolyPhen-2: "Benign". The leucine amino acid residue is found in multiple mammalian species, which suggests that this missense change does not adversely affect protein function. In summary, the available evidence is currently insufficient to determine the role of this variant in disease. Therefore, it has been classified as a Variant of Uncertain Significance.

NM_000245.4(MET):c.2265-37C>T

Gene: MET (MET proto-oncogene, receptor tyrosine kinase; plus strand). Cytogenetic location: 7q31.2.
Variant type: single nucleotide variant.
Coding change: c.2265-37C>T on transcript NM_000245.4 (MANE Select); 37 bases into the intron before coding-DNA position 2265, C replaced by T.
Molecular consequence: intron variant. On other transcripts: missense variant (1).
Genome position (GRCh38, 1-based): chr7:116,759,354, C>T. VCF-style: chr7-116759354-C-T. GRCh37 (hg19) VCF-style: chr7-116399408-C-T.
Other names: c.2282C>T, p.Pro761Leu (NM_001127500.3); c.975-37C>T (NM_001324402.2); c.2265-37C>T (NM_001324401.3); short protein forms P761L.
Identifiers: ClinVar variation 1788959 (VCV001788959.4), dbSNP rs367649400, ClinGen allele CA164894935.